The following is an entry in ClinVar:

NM_001366145.2(TRPM3):c.2298G>C (p.Gln766His)

Gene: TRPM3 (transient receptor potential cation channel subfamily M member 3; minus strand). Cytogenetic location: 9q21.12.
Variant type: single nucleotide variant.
Coding change: c.2298G>C on transcript NM_001366145.2 (MANE Select); coding-DNA position 2298, G replaced by C.
Protein change: p.Gln766His; replaces glutamine 766 with histidine.
Molecular consequence: missense variant.
Genome position (GRCh38, 1-based): chr9:70,618,927, C>G on the plus strand (G>C on the coding strand, the complement: TRPM3 is on the minus strand). VCF-style: chr9-70618927-C-G. GRCh37 (hg19) VCF-style: chr9-73233843-C-G.
Other names: c.1839G>C, p.Gln613His (NM_001366154.2, NM_024971.7); c.1803G>C, p.Gln601His (NM_020952.6); c.1773G>C, p.Gln591His (NM_206944.5); c.1809G>C, p.Gln603His (NM_206945.5); c.1878G>C, p.Gln626His (NM_206946.5); c.1848G>C, p.Gln616His (NM_206947.5); c.2262G>C, p.Gln754His (NM_001007471.4, NM_001366151.2); c.2268G>C, p.Gln756His (NM_001366141.2, NM_001366143.2, NM_001366149.2); and 5 more; short protein forms Q591H, Q601H, Q603H, Q613H, Q616H, Q626H, Q744H, Q754H.
Identifiers: ClinVar variation 2504535 (VCV002504535.1), dbSNP rs2539383164, ClinGen allele CA373557979.

ClinVar aggregate classification (germline): Uncertain significance (1 of 4 stars; one submission).

Submission:

GeneDx
Classification: Uncertain significance. Last evaluated: 2022-12-04. Review status: criteria provided, single submitter. Criteria: GeneDx Variant Classification Process June 2021. Collection method: clinical testing. Allele origin: germline. Affected: yes.
Comment: Not observed at significant frequency in large population cohorts (gnomAD); In silico analysis supports that this missense variant has a deleterious effect on protein structure/function; Has not been previously published as pathogenic or benign to our knowledge